The following is an entry in ClinVar:

NM_019032.6(ADAMTSL4):c.2635G>A (p.Gly879Ser)

Gene: ADAMTSL4 (ADAMTS like 4; plus strand). Cytogenetic location: 1q21.2.
Variant type: single nucleotide variant.
Coding change: c.2635G>A on transcript NM_019032.6 (MANE Select); coding-DNA position 2635, G replaced by A.
Protein change: p.Gly879Ser; replaces glycine 879 with serine.
Molecular consequence: missense variant.
Genome position (GRCh38, 1-based): chr1:150,559,037, G>A. VCF-style: chr1-150559037-G-A. GRCh37 (hg19) VCF-style: chr1-150531513-G-A.
Other names: c.2518G>A, p.Gly840Ser (NM_001288607.2); c.2704G>A, p.Gly902Ser (NM_001288608.2); c.2635G>A, p.Gly879Ser (NM_001378596.1); short protein forms G840S, G902S, G879S.
Identifiers: ClinVar variation 2003320 (VCV002003320.1), dbSNP rs1383697926, ClinGen allele CA342315882.
Genomic context (GRCh38, chr1:150,559,037, plus strand): 5'-GGGACGGGAATCCAGCGGCGCTCTGTGGTCTGCCTTGGGAGTGGGGCAGCCCTCGGGCCA[G>A]GCCAGGGGGAAGCAGGAGCAGGAACTGGGCAGAGCTGTCCAACAGGAAGCCGGCCCCCTG-3'
Protein context (NP_061905.2, residues 869-889): CLGSGAALGP[Gly879Ser]QGEAGAGTGQ

ClinVar aggregate classification (germline): Uncertain significance (1 of 4 stars; one submission).

Allele frequency attached by ClinVar (database versions not stated): gnomAD 0.00001; TOPMed 0.00001.
gnomAD v4.1: 6 of 1,612,320 alleles (0.00037%); highest among the groups gnomAD compares: East Asian, 0.0022%; no homozygotes.

Submission:

Labcorp Genetics (formerly Invitae), Labcorp
Classification: Uncertain significance. Last evaluated: 2022-08-09. Review status: criteria provided, single submitter. Criteria: Invitae Variant Classification Sherloc (09022015). Collection method: clinical testing. Allele origin: germline.
Comment: This sequence change replaces glycine, which is neutral and non-polar, with serine, which is neutral and polar, at codon 879 of the ADAMTSL4 protein (p.Gly879Ser). This variant is present in population databases (no rsID available, gnomAD 0.002%). This variant has not been reported in the literature in individuals affected with ADAMTSL4-related conditions. Algorithms developed to predict the effect of missense changes on protein structure and function output the following: SIFT: "Tolerated"; PolyPhen-2: "Benign"; Align-GVGD: "Class C0". The serine amino acid residue is found in multiple mammalian species, which suggests that this missense change does not adversely affect protein function. In summary, the available evidence is currently insufficient to determine the role of this variant in disease. Therefore, it has been classified as a Variant of Uncertain Significance.